The following is an entry in ClinVar:

ClinVar aggregate classification (germline): Uncertain significance (1 of 4 stars; one submission).

Conditions:
Hereditary cancer-predisposing syndrome. Also called: Tumor predisposition; Hereditary Cancer Syndrome; Hereditary neoplastic syndrome; Neoplastic Syndromes, Hereditary. Identifiers: Orphanet 140162, MedGen C0027672, MeSH D009386, MONDO:0015356.

Submission:

Ambry Genetics
Classification: Uncertain significance for Hereditary cancer-predisposing syndrome. Last evaluated: 2023-07-16. Review status: criteria provided, single submitter. Criteria: Ambry Variant Classification Scheme 2023. Collection method: clinical testing. Allele origin: germline.
Comment: The p.E1476A variant (also known as c.4427A>C), located in coding exon 33 of the TSC2 gene, results from an A to C substitution at nucleotide position 4427. The glutamic acid at codon 1476 is replaced by alanine, an amino acid with dissimilar properties. This amino acid position is conserved. In addition, this alteration is predicted to be deleterious by in silico analysis. Since supporting evidence is limited at this time, the clinical significance of this alteration remains unclear.

NM_000548.5(TSC2):c.4427A>C (p.Glu1476Ala)

Gene: TSC2 (TSC complex subunit 2; plus strand). Cytogenetic location: 16p13.3.
Variant type: single nucleotide variant.
Coding change: c.4427A>C on transcript NM_000548.5 (MANE Select); coding-DNA position 4427, A replaced by C.
Protein change: p.Glu1476Ala; replaces glutamic acid 1476 with alanine.
Molecular consequence: missense variant. On other transcripts: non-coding transcript variant (5).
Genome position (GRCh38, 1-based): chr16:2,084,649, A>C. VCF-style: chr16-2084649-A-C. GRCh37 (hg19) VCF-style: chr16-2134650-A-C.
Other names: c.4226A>C, p.Glu1409Ala (NM_001077183.3); c.4358A>C, p.Glu1453Ala (NM_001114382.3); c.4118A>C, p.Glu1373Ala (NM_001318827.2); c.4082A>C, p.Glu1361Ala (NM_001318829.2); c.3695A>C, p.Glu1232Ala (NM_001318831.2); c.4259A>C, p.Glu1420Ala (NM_001318832.2); c.4229A>C, p.Glu1410Ala (NM_001363528.2); c.4295A>C, p.Glu1432Ala (NM_001370404.1); and 26 more; short protein forms E1210A, E1232A, E1256A, E1361A, E1373A, E1404A, E1405A, E1409A.
Identifiers: ClinVar variation 2626426 (VCV002626426.2), dbSNP rs2544286435, ClinGen allele CA394302200.
Genomic context (GRCh38, chr16:2,084,649, plus strand): 5'-TCCGGCCCCGAGGTTACACCATCTCCGACTCGGCCCCATCACGCAGGGGCAAGAGAGTAG[A>C]GAGGGACGCCTTAAAGAGCAGAGCCACAGCCTCCAATGCAGAGAAAGTGCCAGGCATCAA-3'
Protein context (NP_000539.2, residues 1466-1486): SAPSRRGKRV[Glu1476Ala]RDALKSRATA